The following is an entry in ClinVar:

NM_032409.3(PINK1):c.1124-1G>A

Genes: PINK1 (PTEN induced kinase 1; plus strand), PINK1-AS (PINK1 antisense RNA; minus strand). Cytogenetic location: 1p36.12.
Variant type: single nucleotide variant.
Coding change: c.1124-1G>A on transcript NM_032409.3 (MANE Select); the canonical splice acceptor site of the intron before coding-DNA position 1124, G replaced by A.
Molecular consequence: splice acceptor variant. On other transcripts: non-coding transcript variant (1).
Genome position (GRCh38, 1-based): chr1:20,648,504, G>A. VCF-style: chr1-20648504-G-A. GRCh37 (hg19) VCF-style: chr1-20974997-G-A.
Identifiers: ClinVar variation 4752591 (VCV004752591.1).

ClinVar aggregate classification (germline): Likely pathogenic (1 of 4 stars; one submission).

Conditions:
Autosomal recessive early-onset Parkinson disease 6 (PARK6). Also called: PINK1-Related Parkinson Disease; PARKINSON DISEASE 6, MODIFIER OF; PARKINSON DISEASE 6, EARLY-ONSET; PINK1 Type of Young-Onset Parkinson Disease. Identifiers: Orphanet 2828, MedGen C1853833, MONDO:0011613, OMIM 605909.

Submission:

Labcorp Genetics (formerly Invitae), Labcorp
Classification: Likely pathogenic for Autosomal recessive early-onset Parkinson disease 6. Last evaluated: 2025-03-23. Review status: criteria provided, single submitter. Criteria: Invitae Variant Classification Sherloc (09022015). Collection method: clinical testing. Allele origin: germline.
Comment: This sequence change affects an acceptor splice site in intron 5 of the PINK1 gene. It is expected to disrupt RNA splicing. Variants that disrupt the donor or acceptor splice site typically lead to a loss of protein function (PMID: 16199547), and loss-of-function variants in PINK1 are known to be pathogenic (PMID: 15087508, 15349870). This variant is present in population databases (no rsID available, gnomAD 0.0009%). This variant has not been reported in the literature in individuals affected with PINK1-related conditions. Algorithms developed to predict the effect of sequence changes on RNA splicing suggest that this variant may disrupt the consensus splice site. In summary, the currently available evidence indicates that the variant is pathogenic, but additional data are needed to prove that conclusively. Therefore, this variant has been classified as Likely Pathogenic.

Literature cited by the submitters: PubMed 16199547; PubMed 15087508; PubMed 15349870.